The following is an entry in ClinVar:

ClinVar aggregate classification (germline): Uncertain significance. Review status: criteria provided, multiple submitters, no conflicts (2 of 4 stars). 2 submissions from 2 submitters: Uncertain significance (2). Last evaluated 2024-05-25.

Conditions:
Cardiovascular phenotype. Identifiers: MedGen CN230736.
Dilated cardiomyopathy 1AA (CMD1AA). Also called: CARDIOMYOPATHY, DILATED, 1AA, WITH OR WITHOUT LEFT VENTRICULAR NONCOMPACTION; CARDIOMYOPATHY, FAMILIAL HYPERTROPHIC, 23, WITH OR WITHOUT LEFT VENTRICULAR NONCOMPACTION; Cardiomyopathy, dilated, 1AA, with or without LVNC. Identifiers: Orphanet 154, MedGen C2677338, MONDO:0012808, OMIM 612158.
Primary familial hypertrophic cardiomyopathy (HCM). Identifiers: Orphanet 99739, MedGen C0949658, MeSH D024741, MONDO:0024573. Inheritance: Various modes of inheritance.

Submissions (2):

Ambry Genetics
Classification: Uncertain significance for Cardiovascular phenotype. Last evaluated: 2024-05-25. Review status: criteria provided, single submitter. Criteria: Ambry Variant Classification Scheme 2023. Collection method: clinical testing. Allele origin: germline.
Comment: The p.A142V variant (also known as c.425C>T), located in coding exon 4 of the ACTN2 gene, results from a C to T substitution at nucleotide position 425. The alanine at codon 142 is replaced by valine, an amino acid with similar properties. This amino acid position is conserved. In addition, the in silico prediction for this alteration is inconclusive. Based on the available evidence, the clinical significance of this variant remains unclear.

Labcorp Genetics (formerly Invitae), Labcorp
Classification: Uncertain significance for Primary familial hypertrophic cardiomyopathy; Dilated cardiomyopathy 1AA. Last evaluated: 2023-07-19. Review status: criteria provided, single submitter. Criteria: Invitae Variant Classification Sherloc (09022015). Collection method: clinical testing. Allele origin: germline.
Comment: In summary, the available evidence is currently insufficient to determine the role of this variant in disease. Therefore, it has been classified as a Variant of Uncertain Significance. Advanced modeling of protein sequence and biophysical properties (such as structural, functional, and spatial information, amino acid conservation, physicochemical variation, residue mobility, and thermodynamic stability) performed at Invitae indicates that this missense variant is expected to disrupt ACTN2 protein function. This variant has not been reported in the literature in individuals affected with ACTN2-related conditions. This variant is not present in population databases (gnomAD no frequency). This sequence change replaces alanine, which is neutral and non-polar, with valine, which is neutral and non-polar, at codon 142 of the ACTN2 protein (p.Ala142Val).

NM_001103.4(ACTN2):c.425C>T (p.Ala142Val)

Gene: ACTN2 (actinin alpha 2; plus strand). Cytogenetic location: 1q43.
Variant type: single nucleotide variant.
Coding change: c.425C>T on transcript NM_001103.4 (MANE Select); coding-DNA position 425, C replaced by T.
Protein change: p.Ala142Val; replaces alanine 142 with valine.
Molecular consequence: missense variant. On other transcripts: non-coding transcript variant (1).
Genome position (GRCh38, 1-based): chr1:236,720,168, C>T. VCF-style: chr1-236720168-C-T. GRCh37 (hg19) VCF-style: chr1-236883468-C-T.
Other names: c.425C>T (NM_001103.2); c.425C>T, p.Ala142Val (NM_001278343.2); c.-397C>T (NM_001278344.2); c.-522C>T (NM_001412150.1); short protein forms A142V.
Identifiers: ClinVar variation 2944434 (VCV002944434.4), dbSNP rs2527542989, ClinGen allele CA345374138.
Genomic context (GRCh38, chr1:236,720,168, plus strand): 5'-TTGTTGATGGCAACGTGAAAATGACCCTGGGTATGATCTGGACCATCATCCTTCGCTTTG[C>T]TATTCAGGATATTTCGGTTGAAGGTAAAAGACATGGTTAAAAGTCTAATTGTATAATCTG-3'
Protein context (NP_001094.1, residues 132-152): GMIWTIILRF[Ala142Val]IQDISVEETS